The following is an entry in ClinVar:

NM_024675.4(PALB2):c.2325A>C (p.Gln775His)

Gene: PALB2 (partner and localizer of BRCA2; minus strand). Cytogenetic location: 16p12.2.
Variant type: single nucleotide variant.
Coding change: c.2325A>C on transcript NM_024675.4 (MANE Select); coding-DNA position 2325, A replaced by C.
Protein change: p.Gln775His; replaces glutamine 775 with histidine.
Molecular consequence: missense variant.
Genome position (GRCh38, 1-based): chr16:23,629,829, T>G on the plus strand (A>C on the coding strand, the complement: PALB2 is on the minus strand). VCF-style: chr16-23629829-T-G. GRCh37 (hg19) VCF-style: chr16-23641150-T-G.
Other names: short protein forms Q775H.
Identifiers: ClinVar variation 230141 (VCV000230141.26), dbSNP rs750089867, ClinGen allele CA7963594.

ClinVar aggregate classification (germline): Uncertain significance. Review status: criteria provided, multiple submitters, no conflicts (2 of 4 stars). 4 submissions from 4 submitters: Uncertain significance (4). Last evaluated 2025-06-23.

Conditions:
Hereditary cancer-predisposing syndrome. Also called: Hereditary neoplastic syndrome; Hereditary Cancer Syndrome; Neoplastic Syndromes, Hereditary; Tumor predisposition. Identifiers: Orphanet 140162, MedGen C0027672, MeSH D009386, MONDO:0015356.
Familial cancer of breast. Also called: Hereditary breast cancer; BREAST CANCER, FAMILIAL; hereditary breast carcinoma. Identifiers: Orphanet 227535, MedGen C0346153, MONDO:0016419, OMIM 114480. Disease mechanism: loss of function.

Allele frequency attached by ClinVar (database versions not stated): gnomAD exomes below 0.00001; ExAC 0.00001.
gnomAD v4.1: 2 of 1,614,166 alleles (0.00012%); highest among the groups gnomAD compares: Non-Finnish European, 0.00017%; no homozygotes.

Submissions (4):

Labcorp Genetics (formerly Invitae), Labcorp
Classification: Uncertain significance for Familial cancer of breast. Last evaluated: 2025-06-23. Review status: criteria provided, single submitter. Criteria: Invitae Variant Classification Sherloc (09022015). Collection method: clinical testing. Allele origin: germline.
Comment: This sequence change replaces glutamine, which is neutral and polar, with histidine, which is basic and polar, at codon 775 of the PALB2 protein (p.Gln775His). This variant is present in population databases (rs750089867, gnomAD 0.0009%). This variant has not been reported in the literature in individuals affected with PALB2-related conditions. ClinVar contains an entry for this variant (Variation ID: 230141). Invitae Evidence Modeling of protein sequence and biophysical properties (such as structural, functional, and spatial information, amino acid conservation, physicochemical variation, residue mobility, and thermodynamic stability) indicates that this missense variant is not expected to disrupt PALB2 protein function with a negative predictive value of 80%. In summary, the available evidence is currently insufficient to determine the role of this variant in disease. Therefore, it has been classified as a Variant of Uncertain Significance.

Center for Genomic Medicine, Rigshospitalet, Copenhagen University Hospital
Classification: Uncertain significance. Last evaluated: 2025-03-04. Review status: criteria provided, single submitter. Criteria: ACMG Guidelines, 2015. Collection method: clinical testing. Allele origin: germline.

Ambry Genetics
Classification: Uncertain significance for Hereditary cancer-predisposing syndrome. Last evaluated: 2024-12-02. Review status: criteria provided, single submitter. Criteria: Ambry Variant Classification Scheme 2023. Collection method: clinical testing. Allele origin: germline.
Comment: The p.Q775H variant (also known as c.2325A>C), located in coding exon 5 of the PALB2 gene, results from an A to C substitution at nucleotide position 2325. The glutamine at codon 775 is replaced by histidine, an amino acid with highly similar properties. This alteration was detected in 1/5589 German BRCA1/2-negative probands with breast cancer (Hauke J et al. Cancer Med, 2018 04;7:1349-1358). This amino acid position is well conserved in available vertebrate species. In addition, this alteration is predicted to be tolerated by in silico analysis. Since supporting evidence is limited at this time, the clinical significance of this alteration remains unclear.

Color Diagnostics, LLC DBA Color Health
Classification: Uncertain significance for Hereditary cancer-predisposing syndrome. Last evaluated: 2018-08-11. Review status: criteria provided, single submitter. Criteria: ACMG Guidelines, 2015. Collection method: clinical testing. Allele origin: germline.

Literature cited by the submitters: PubMed 29522266 (cited by Ambry Genetics).